The following is an entry in ClinVar:

NM_000404.4(GLB1):c.1556C>T (p.Ala519Val)

Gene: GLB1 (galactosidase beta 1; minus strand). Cytogenetic location: 3p22.3.
Variant type: single nucleotide variant.
Coding change: c.1556C>T on transcript NM_000404.4 (MANE Select); coding-DNA position 1556, C replaced by T.
Protein change: p.Ala519Val; replaces alanine 519 with valine.
Molecular consequence: missense variant.
Genome position (GRCh38, 1-based): chr3:33,014,234, G>A on the plus strand (C>T on the coding strand, the complement: GLB1 is on the minus strand). VCF-style: chr3-33014234-G-A. GRCh37 (hg19) VCF-style: chr3-33055726-G-A.
Other names: c.1466C>T, p.Ala489Val (NM_001079811.3); c.1163C>T, p.Ala388Val (NM_001135602.3); c.1700C>T, p.Ala567Val (NM_001317040.2); c.1556C>T, p.Ala519Val (NM_001393580.1); short protein forms A388V, A489V, A567V, A519V.
Identifiers: ClinVar variation 1417767 (VCV001417767.6), dbSNP rs2125463380, ClinGen allele CA351986293.

ClinVar aggregate classification (germline): Uncertain significance (1 of 4 stars; one submission).

Conditions:
Mucopolysaccharidosis, MPS-IV-B (MPS4B). Also called: MORQUIO SYNDROME B; Mucopolysaccharidosis Type IVB (Morquio B Disease); Mucopolysaccharidosis type 4B; Mucopolysaccharidosis type IVB (Morquio); MPS IVB; Mucopolysaccharidosis type IV B. Identifiers: Orphanet 309310, Orphanet 582, MedGen C0086652, MONDO:0009660, OMIM 253010.
GM1 gangliosidosis. Identifiers: Orphanet 354, MedGen C0085131, MONDO:0018149.

Submission:

Labcorp Genetics (formerly Invitae), Labcorp
Classification: Uncertain significance for Mucopolysaccharidosis, MPS-IV-B; GM1 gangliosidosis. Last evaluated: 2022-08-15. Review status: criteria provided, single submitter. Criteria: Invitae Variant Classification Sherloc (09022015). Collection method: clinical testing. Allele origin: germline.
Comment: Advanced modeling of protein sequence and biophysical properties (such as structural, functional, and spatial information, amino acid conservation, physicochemical variation, residue mobility, and thermodynamic stability) performed at Invitae indicates that this missense variant is not expected to disrupt GLB1 protein function. In summary, the available evidence is currently insufficient to determine the role of this variant in disease. Therefore, it has been classified as a Variant of Uncertain Significance. ClinVar contains an entry for this variant (Variation ID: 1417767). This variant has not been reported in the literature in individuals affected with GLB1-related conditions. This variant is not present in population databases (gnomAD no frequency). This sequence change replaces alanine, which is neutral and non-polar, with valine, which is neutral and non-polar, at codon 519 of the GLB1 protein (p.Ala519Val).